The following is an entry in ClinVar:

ClinVar aggregate classification (germline): Uncertain significance. Review status: criteria provided, multiple submitters, no conflicts (2 of 4 stars). 2 submissions from 2 submitters: Uncertain significance (2). Last evaluated 2025-06-29.

Conditions:
Inborn genetic diseases. Identifiers: MedGen C0950123, MeSH D030342.

Allele frequency attached by ClinVar (database versions not stated): ExAC 0.00001.
gnomAD v4.1: 4 of 1,614,248 alleles (0.00025%); highest among the groups gnomAD compares: Admixed American, 0.005%; no homozygotes.

Submissions (2):

Ambry Genetics
Classification: Uncertain significance for Inborn genetic diseases. Last evaluated: 2025-06-29. Review status: criteria provided, single submitter. Criteria: Ambry Variant Classification Scheme 2023. Collection method: clinical testing. Allele origin: germline.

Labcorp Genetics (formerly Invitae), Labcorp
Classification: Uncertain significance. Last evaluated: 2024-02-24. Review status: criteria provided, single submitter. Criteria: Invitae Variant Classification Sherloc (09022015). Collection method: clinical testing. Allele origin: germline.
Comment: This sequence change replaces arginine, which is basic and polar, with threonine, which is neutral and polar, at codon 117 of the UNC45A protein (p.Arg117Thr). This variant is present in population databases (rs771865134, gnomAD 0.009%). This variant has not been reported in the literature in individuals affected with UNC45A-related conditions. ClinVar contains an entry for this variant (Variation ID: 1405320). Advanced modeling of protein sequence and biophysical properties (such as structural, functional, and spatial information, amino acid conservation, physicochemical variation, residue mobility, and thermodynamic stability) performed at Invitae indicates that this missense variant is not expected to disrupt UNC45A protein function with a negative predictive value of 80%. In summary, the available evidence is currently insufficient to determine the role of this variant in disease. Therefore, it has been classified as a Variant of Uncertain Significance.

NM_018671.5(UNC45A):c.350G>C (p.Arg117Thr)

Gene: UNC45A (unc-45 myosin chaperone A; plus strand). Cytogenetic location: 15q26.1.
Variant type: single nucleotide variant.
Coding change: c.350G>C on transcript NM_018671.5 (MANE Select); coding-DNA position 350, G replaced by C.
Protein change: p.Arg117Thr; replaces arginine 117 with threonine.
Molecular consequence: missense variant. On other transcripts: 5 prime UTR variant (1).
Genome position (GRCh38, 1-based): chr15:90,936,384, G>C. VCF-style: chr15-90936384-G-C. GRCh37 (hg19) VCF-style: chr15-91479614-G-C.
Other names: c.350G>C (NM_018671.3); c.305G>C, p.Arg102Thr (NM_001039675.2, NM_001323621.2); c.350G>C, p.Arg117Thr (NM_001323619.1); c.-86G>C (NM_001323620.2); short protein forms R102T, R117T.
Identifiers: ClinVar variation 1405320 (VCV001405320.6), dbSNP rs771865134, ClinGen allele CA7742502.
Genomic context (GRCh38, chr15:90,936,384, plus strand): 5'-GGCGGAGCCAAGCCCTAGAGAAGCTGGGCCGCCTGGACCAGGCTGTCCTTGACCTGCAGA[G>C]ATGTGTGAGCTTGGAGCCCAAGAACAAAGTTTTCCAGGAGGCCTTGCGGAACATCGGGGG-3'
Protein context (NP_061141.2, residues 107-127): RLDQAVLDLQ[Arg117Thr]CVSLEPKNKV